The following is an entry in ClinVar:

ClinVar aggregate classification (germline): Likely benign (1 of 4 stars; one submission).

Allele frequency attached by ClinVar (database versions not stated): gnomAD 0.00001; gnomAD exomes 0.00003; TOPMed 0.00003; ExAC 0.00012.

Submission:

CeGaT Center for Human Genetics Tuebingen
Classification: Likely benign. Last evaluated: 2023-03-01. Review status: criteria provided, single submitter. Criteria: CeGaT Center For Human Genetics Tuebingen Variant Classification Criteria Version 2. Collection method: clinical testing. Allele origin: germline. Affected: yes. Observed: 1 variant allele.
Comment: DPP6: BP4, BS2

NM_130797.4(DPP6):c.1370G>A (p.Arg457Gln)

Gene: DPP6 (dipeptidyl peptidase like 6; plus strand). Cytogenetic location: 7q36.2.
Variant type: single nucleotide variant.
Coding change: c.1370G>A on transcript NM_130797.4 (MANE Select); coding-DNA position 1370, G replaced by A.
Protein change: p.Arg457Gln; replaces arginine 457 with glutamine.
Molecular consequence: missense variant. On other transcripts: non-coding transcript variant (2).
Genome position (GRCh38, 1-based): chr7:154,801,425, G>A. VCF-style: chr7-154801425-G-A. GRCh37 (hg19) VCF-style: chr7-154593135-G-A.
Other names: c.1178G>A, p.Arg393Gln (NM_001039350.3); c.1049G>A, p.Arg350Gln (NM_001290252.2); c.1187G>A, p.Arg396Gln (NM_001364497.2, NM_001364498.2, NM_001364499.2 and 1 more transcripts); c.1184G>A, p.Arg395Gln (NM_001936.5); short protein forms R350Q, R393Q, R395Q, R396Q, R457Q.
Identifiers: ClinVar variation 2499064 (VCV002499064.28), dbSNP rs766044852, ClinGen allele CA4583525.